The following is an entry in ClinVar:

ClinVar aggregate classification (germline): Uncertain significance (1 of 4 stars; one submission).

Conditions:
Hereditary cancer-predisposing syndrome. Also called: Tumor predisposition; Hereditary Cancer Syndrome; Hereditary neoplastic syndrome; Neoplastic Syndromes, Hereditary. Identifiers: Orphanet 140162, MedGen C0027672, MeSH D009386, MONDO:0015356.

Submission:

Ambry Genetics
Classification: Uncertain significance for Hereditary cancer-predisposing syndrome. Last evaluated: 2023-08-05. Review status: criteria provided, single submitter. Criteria: Ambry Variant Classification Scheme 2023. Collection method: clinical testing. Allele origin: germline.
Comment: The p.A87S variant (also known as c.259G>T), located in coding exon 1 of the MEN1 gene, results from a G to T substitution at nucleotide position 259. The alanine at codon 87 is replaced by serine, an amino acid with similar properties. This amino acid position is conserved. In addition, the in silico prediction for this alteration is inconclusive. Since supporting evidence is limited at this time, the clinical significance of this alteration remains unclear.

NM_001370259.2(MEN1):c.259G>T (p.Ala87Ser)

Gene: MEN1 (menin 1; minus strand). Cytogenetic location: 11q13.1.
Variant type: single nucleotide variant.
Coding change: c.259G>T on transcript NM_001370259.2 (MANE Select); coding-DNA position 259, G replaced by T.
Protein change: p.Ala87Ser; replaces alanine 87 with serine.
Molecular consequence: missense variant. On other transcripts: non-coding transcript variant (4).
Genome position (GRCh38, 1-based): chr11:64,809,851, C>A on the plus strand (G>T on the coding strand, the complement: MEN1 is on the minus strand). VCF-style: chr11-64809851-C-A. GRCh37 (hg19) VCF-style: chr11-64577323-C-A.
Other names: c.259G>T, p.Ala87Ser (NM_000244.4, NM_001370251.2, NM_001370260.2 and 20 more transcripts); short protein forms A87S.
Identifiers: ClinVar variation 2588219 (VCV002588219.2), dbSNP rs1440986026, ClinGen allele CA381187538.